The following is an entry in ClinVar:

NM_003002.4(SDHD):c.328G>A (p.Val110Ile)

Gene: SDHD (succinate dehydrogenase complex subunit D; plus strand). Cytogenetic location: 11q23.1.
Variant type: single nucleotide variant.
Coding change: c.328G>A on transcript NM_003002.4 (MANE Select); coding-DNA position 328, G replaced by A.
Protein change: p.Val110Ile; replaces valine 110 with isoleucine.
Molecular consequence: missense variant. On other transcripts: synonymous variant (1), 3 prime UTR variant (1), non-coding transcript variant (1).
Genome position (GRCh38, 1-based): chr11:112,094,818, G>A. VCF-style: chr11-112094818-G-A. GRCh37 (hg19) VCF-style: chr11-111965542-G-A.
Other names: c.183G>A, p.Lys61= (NM_001276503.2); c.211G>A, p.Val71Ile (NM_001276504.2); c.*26G>A (NM_001276506.2); short protein forms V110I, V71I.
Identifiers: ClinVar variation 412500 (VCV000412500.56), dbSNP rs1060503771, ClinGen allele CA16613228.
Genomic context (GRCh38, chr11:112,094,818, plus strand): 5'-TTCACTGTGGTTTTTTATTGATGTTATGATTTTTTCTTTTTCTTTAGGGGCCTTGGACAA[G>A]TTGTTACTGACTATGTTCATGGGGATGCCTTGCAGAAAGCTGCCAAGGCAGGGCTTTTGG-3'
Protein context (NP_002993.1, residues 100-120): TLHGHWGLGQ[Val110Ile]VTDYVHGDAL

ClinVar aggregate classification (germline): Uncertain significance. Review status: criteria provided, multiple submitters, no conflicts (2 of 4 stars). 4 submissions from 4 submitters: Uncertain significance (4). Last evaluated 2025-12-30.

Conditions:
Mitochondrial complex 2 deficiency, nuclear type 3. Also called: MITOCHONDRIAL COMPLEX II DEFICIENCY, NUCLEAR TYPE 3. Identifiers: MedGen C5436934, MONDO:0030937, OMIM 619167.
Paragangliomas with sensorineural hearing loss. Identifiers: MedGen C1868633.
Pheochromocytoma. Also called: MAX-Related Hereditary Paraganglioma-Pheochromocytoma Syndrome. Identifiers: Orphanet 29072, MedGen C0031511, MONDO:0008233, OMIM 171300, HP:0002666.
Cowden syndrome 3 (CWS3). Identifiers: Orphanet 201, MedGen CN166604, MONDO:0014045.
Carney-Stratakis syndrome. Also called: PARAGANGLIOMA AND GASTROINTESTINAL STROMAL TUMOR. Identifiers: Orphanet 97286, MedGen C1847319, MONDO:0011740, OMIM 606864.
Hereditary cancer-predisposing syndrome. Also called: Neoplastic Syndromes, Hereditary; Hereditary neoplastic syndrome; Tumor predisposition; Hereditary Cancer Syndrome. Identifiers: Orphanet 140162, MedGen C0027672, MeSH D009386, MONDO:0015356.
Hereditary pheochromocytoma and paraganglioma. Also called: Hereditary Paraganglioma-Pheochromocytoma Syndromes; Hereditary paragangliomas and pheochromocytomas; Hereditary pheochromocytoma-paraganglioma. Identifiers: Orphanet 29072, MedGen C4274332, MONDO:0017366.

Allele frequency attached by ClinVar (database versions not stated): TOPMed below 0.00001; gnomAD 0.00001.
gnomAD v4.1: 1 of 1,611,900 alleles (0.000062%); highest among the groups gnomAD compares: African/African-American, 0.0013%; no homozygotes.

Submissions (4):

Labcorp Genetics (formerly Invitae), Labcorp
Classification: Uncertain significance for Carney-Stratakis syndrome; Paragangliomas with sensorineural hearing loss; Pheochromocytoma; Cowden syndrome 3. Last evaluated: 2025-12-30. Review status: criteria provided, single submitter. Criteria: Invitae Variant Classification Sherloc (09022015). Collection method: clinical testing. Allele origin: germline.
Comment: This sequence change replaces valine, which is neutral and non-polar, with isoleucine, which is neutral and non-polar, at codon 110 of the SDHD protein (p.Val110Ile). This variant is not present in population databases (gnomAD no frequency). This variant has not been reported in the literature in individuals affected with SDHD-related conditions. ClinVar contains an entry for this variant (Variation ID: 412500). Invitae Evidence Modeling of protein sequence and biophysical properties (such as structural, functional, and spatial information, amino acid conservation, physicochemical variation, residue mobility, and thermodynamic stability) indicates that this missense variant is not expected to disrupt SDHD protein function with a negative predictive value of 95%. In summary, the available evidence is currently insufficient to determine the role of this variant in disease. Therefore, it has been classified as a Variant of Uncertain Significance.

Ambry Genetics
Classification: Uncertain significance for Hereditary cancer-predisposing syndrome. Last evaluated: 2024-11-16. Review status: criteria provided, single submitter. Criteria: Ambry Variant Classification Scheme 2023. Collection method: clinical testing. Allele origin: germline.
Comment: The p.V110I variant (also known as c.328G>A), located in coding exon 4 of the SDHD gene, results from a G to A substitution at nucleotide position 328. The valine at codon 110 is replaced by isoleucine, an amino acid with highly similar properties. This amino acid position is conserved. In addition, this alteration is predicted to be deleterious by in silico analysis. Since supporting evidence is limited at this time, the clinical significance of this alteration remains unclear.

All of Us Research Program, National Institutes of Health
Classification: Uncertain significance for Hereditary pheochromocytoma and paraganglioma. Last evaluated: 2024-08-06. Review status: criteria provided, single submitter. Criteria: ACMG Guidelines, 2015. Collection method: clinical testing. Allele origin: germline. Inheritance: Autosomal dominant inheritance. Observed: 1 variant allele, 1 heterozygote.
Comment: This study involves interpretation of variants in research participants for the purpose of population health screening. Participant phenotype was not available at the time of variant classification. Additional details can be found in publication PMID: 35346344, PMCID: PMC8962531

Baylor Genetics
Classification: Uncertain significance for Mitochondrial complex 2 deficiency, nuclear type 3. Last evaluated: 2023-09-05. Review status: criteria provided, single submitter. Criteria: ACMG Guidelines, 2015. Collection method: clinical testing. Allele origin: unknown.